The following is an entry in ClinVar:

NM_000334.4(SCN4A):c.1856G>A (p.Gly619Asp)

Gene: SCN4A (sodium voltage-gated channel alpha subunit 4; minus strand). Cytogenetic location: 17q23.3.
Variant type: single nucleotide variant.
Coding change: c.1856G>A on transcript NM_000334.4 (MANE Select); coding-DNA position 1856, G replaced by A.
Protein change: p.Gly619Asp; replaces glycine 619 with aspartic acid.
Molecular consequence: missense variant.
Genome position (GRCh38, 1-based): chr17:63,959,428, C>T on the plus strand (G>A on the coding strand, the complement: SCN4A is on the minus strand). VCF-style: chr17-63959428-C-T. GRCh37 (hg19) VCF-style: chr17-62036788-C-T.
Other names: short protein forms G619D.
Identifiers: ClinVar variation 3718172 (VCV003718172.2).

ClinVar aggregate classification (germline): Uncertain significance (1 of 4 stars; one submission).

Conditions:
Hyperkalemic periodic paralysis. Also called: Familial hyperkalemic periodic paralysis; Gamstorp disease. Identifiers: Orphanet 682, MedGen C0238357, MONDO:0008224, OMIM 170500, HP:0007215.

gnomAD v4.1: 3 of 1,613,368 alleles (0.00019%); highest among the groups gnomAD compares: Non-Finnish European, 0.00025%; no homozygotes.

Submission:

Labcorp Genetics (formerly Invitae), Labcorp
Classification: Uncertain significance for Hyperkalemic periodic paralysis. Last evaluated: 2025-10-02. Review status: criteria provided, single submitter. Criteria: Invitae Variant Classification Sherloc (09022015). Collection method: clinical testing. Allele origin: germline.
Comment: This sequence change replaces glycine, which is neutral and non-polar, with aspartic acid, which is acidic and polar, at codon 619 of the SCN4A protein (p.Gly619Asp). This variant is not present in population databases (gnomAD no frequency). This variant has not been reported in the literature in individuals affected with SCN4A-related conditions. ClinVar contains an entry for this variant (Variation ID: 3718172). Invitae Evidence Modeling of protein sequence and biophysical properties (such as structural, functional, and spatial information, amino acid conservation, physicochemical variation, residue mobility, and thermodynamic stability) indicates that this missense variant is expected to disrupt SCN4A protein function with a positive predictive value of 80%. In summary, the available evidence is currently insufficient to determine the role of this variant in disease. Therefore, it has been classified as a Variant of Uncertain Significance.